The following is an entry in ClinVar:

NM_032444.4(SLX4):c.5482AAG[2] (p.Lys1830del)

Gene: SLX4 (SLX4 structure-specific endonuclease subunit; minus strand). Cytogenetic location: 16p13.3.
Variant type: Microsatellite.
Coding change: c.5482AAG[2] on transcript NM_032444.4 (MANE Select); two copies in a row of the 3-base unit AAG starting at c.5482; the reference has three copies in a row; one copy, 3 bases deleted; also written c.5488_5490del.
Protein change: p.Lys1830del; deletes lysine 1830.
Molecular consequence: inframe deletion.
Genome position (GRCh38, 1-based): chr16:3,582,357-3,582,359, CTT deleted on the plus strand (AAG on the coding strand, the reverse complement: SLX4 is on the minus strand); deleting any 3 consecutive bases within chr16:3,582,357-3,582,365 gives the same sequence; the position shown is the placement nearest the transcript's 3' end. VCF-style (leftmost placement, unchanged base first): chr16-3582356-CCTT-C. GRCh37 (hg19) VCF-style: chr16-3632357-CCTT-C.
Other names: c.5488_5490del (NM_032444.3); short protein forms K1830del.
Identifiers: ClinVar variation 1517680 (VCV001517680.7), dbSNP rs758485573, ClinGen allele CA7865292.

ClinVar aggregate classification (germline): Uncertain significance. Review status: criteria provided, multiple submitters, no conflicts (2 of 4 stars). 2 submissions from 2 submitters: Uncertain significance (2). Last evaluated 2024-05-22.

Conditions:
Fanconi anemia (FA). Also called: Fanconi's anemia. Identifiers: Orphanet 84, MedGen C0015625, MeSH D005199, MONDO:0019391.

Submissions (2):

Labcorp Genetics (formerly Invitae), Labcorp
Classification: Uncertain significance for Fanconi anemia. Last evaluated: 2024-05-22. Review status: criteria provided, single submitter. Criteria: Invitae Variant Classification Sherloc (09022015). Collection method: clinical testing. Allele origin: germline.
Comment: This variant, c.5488_5490del, results in the deletion of 1 amino acid(s) of the SLX4 protein (p.Lys1830del), but otherwise preserves the integrity of the reading frame. This variant is present in population databases (rs758485573, gnomAD 0.002%). This variant has not been reported in the literature in individuals affected with SLX4-related conditions. Algorithms developed to predict the effect of sequence changes on RNA splicing suggest that this variant may create or strengthen a splice site. In summary, the available evidence is currently insufficient to determine the role of this variant in disease. Therefore, it has been classified as a Variant of Uncertain Significance.

Genetic Services Laboratory, University of Chicago
Classification: Uncertain significance. Last evaluated: 2023-09-08. Review status: criteria provided, single submitter. Criteria: ACMG Guidelines, 2015. Collection method: clinical testing. Allele origin: germline. Affected: no.
Comment: DNA sequence analysis of the SLX4 demonstrated a three base pair deletion in exon 15, c.5488_5490del. This in-frame deletion is predicted to result in the deletion of one amino acid residue, p.Lys1830del. This deletion does not appear to have been previously described in individuals with SLX4 -related disorders. This sequence change has been described in the gnomAD database in 2 European (non-Finnish) individuals that corresponds to a frequency of approximately 0.002% in the European (non-Finnish) population (dbSNP rs758485573). This single Lysine amino acid deletion occurs in the last exon of the SLX4 gene in a stretch of three Lysine amino acid residues. The functional significance of this sequence change is not known at present and its contribution to this individual's disease phenotype cannot definitively be determined.